The following is an entry in ClinVar:

ClinVar aggregate classification (germline): Uncertain significance. Review status: criteria provided, multiple submitters, no conflicts (2 of 4 stars). 3 submissions from 3 submitters: Uncertain significance (2). 1 of the submissions does not count toward it. Last evaluated 2025-07-14.

Conditions:
Mitochondrial trifunctional protein deficiency 1 (MTPD1). Identifiers: MedGen CN376812, MONDO:0958181, OMIM 609015.
Long chain 3-hydroxyacyl-CoA dehydrogenase deficiency. Also called: Deficiency of long-chain 3-hydroxyacyl-coenzyme A dehydrogenase; LCHAD Deficiency. Identifiers: Orphanet 5, MedGen C3711645, MONDO:0012173, OMIM 609016.

Submissions (3):

3billion
Classification: Uncertain significance for Mitochondrial trifunctional protein deficiency 1. Last evaluated: 2025-07-14. Review status: criteria provided, single submitter. Criteria: ACMG Guidelines, 2015. Collection method: clinical testing. Allele origin: germline. Affected: yes.
Comment: The variant is not observed in the gnomAD v4.1.0 dataset. Predicted Consequence/Location: Inframe deletion located in a nonrepeat region: predicted to change the length of the protein and disrupt normal protein function. The variant has been reported as of uncertain significance (ClinVar ID: VCV002682735). Therefore, this variant is classified as VUS according to the recommendation of ACMG/AMP guideline.

Mayo Clinic Laboratories, Mayo Clinic
Classification: Uncertain significance. Last evaluated: 2022-02-01. Review status: criteria provided, single submitter. Criteria: ACMG Guidelines, 2015. Collection method: clinical testing. Allele origin: germline. Observed: 1 variant allele.
Comment: PM2, PM4

Natera, Inc.
Classification: Uncertain significance for Deficiency of long-chain 3-hydroxyacyl-coenzyme A dehydrogenase. Last evaluated: 2025-05-18. Review status: no assertion criteria provided. Collection method: clinical testing. Allele origin: germline. Not counted in ClinVar's aggregate classification.

NM_000182.5(HADHA):c.1050GAA[1] (p.Lys351del)

Gene: HADHA (hydroxyacyl-CoA dehydrogenase trifunctional multienzyme complex subunit alpha; minus strand). Cytogenetic location: 2p23.3.
Variant type: Microsatellite.
Coding change: c.1050GAA[1] on transcript NM_000182.5 (MANE Select); one copy of the 3-base unit GAA starting at c.1050; the reference has two copies in a row; one copy, 3 bases deleted; also written c.1053_1055del.
Protein change: p.Lys351del; deletes lysine 351.
Genome position (GRCh38, 1-based): chr2:26,209,810-26,209,812, TTC deleted on the plus strand (GAA on the coding strand, the reverse complement: HADHA is on the minus strand); deleting any 3 consecutive bases within chr2:26,209,810-26,209,817 gives the same sequence; the position shown is the placement nearest the transcript's 3' end. VCF-style (leftmost placement, unchanged base first): chr2-26209809-ATTC-A. GRCh37 (hg19) VCF-style: chr2-26432678-ATTC-A.
Other names: p.Lys351del; c.1053_1055del (NM_000182.5, NM_000182.4); short protein forms K351del.
Identifiers: ClinVar variation 2682735 (VCV002682735.3), dbSNP rs2465552299, ClinGen allele CA2576696843.